The following is an entry in ClinVar:

NM_014727.3(KMT2B):c.7506G>A (p.Pro2502=)

Gene: KMT2B (lysine methyltransferase 2B; plus strand). Cytogenetic location: 19q13.12.
Variant type: single nucleotide variant.
Coding change: c.7506G>A on transcript NM_014727.3 (MANE Select); coding-DNA position 7506, G replaced by A.
Protein change: p.Pro2502=; no amino-acid change (proline 2502 retained).
Molecular consequence: synonymous variant.
Genome position (GRCh38, 1-based): chr19:35,737,219, G>A. VCF-style: chr19-35737219-G-A. GRCh37 (hg19) VCF-style: chr19-36228120-G-A.
Other names: c.7506G>A (NM_014727.1).
Identifiers: ClinVar variation 765627 (VCV000765627.31), dbSNP rs375273504, ClinGen allele CA9385973.

ClinVar aggregate classification (germline): Likely benign. Review status: criteria provided, multiple submitters, no conflicts (2 of 4 stars). 3 submissions from 3 submitters: Likely benign (3). Last evaluated 2025-06-15.

Conditions:
Inborn genetic diseases. Identifiers: MedGen C0950123, MeSH D030342.

Allele frequency attached by ClinVar (database versions not stated): gnomAD 0.00002 and 0.00003; TOPMed 0.00002; gnomAD exomes 0.00003; ESP Exome Variant Server 0.00008; ExAC 0.00012.

Submissions (3):

Labcorp Genetics (formerly Invitae), Labcorp
Classification: Likely benign. Last evaluated: 2025-06-15. Review status: criteria provided, single submitter. Criteria: Invitae Variant Classification Sherloc (09022015). Collection method: clinical testing. Allele origin: germline.

Ambry Genetics
Classification: Likely benign for Inborn genetic diseases. Last evaluated: 2024-11-09. Review status: criteria provided, single submitter. Criteria: Ambry Variant Classification Scheme 2023. Collection method: clinical testing. Allele origin: germline.

CeGaT Center for Human Genetics Tuebingen
Classification: Likely benign. Last evaluated: 2022-05-01. Review status: criteria provided, single submitter. Criteria: CeGaT Center For Human Genetics Tuebingen Variant Classification Criteria Version 2. Collection method: clinical testing. Allele origin: germline. Affected: yes. Observed: 1 variant allele.
Comment: KMT2B: BP4, BP7